The following is an entry in ClinVar:

ClinVar aggregate classification (germline): Conflicting classifications of pathogenicity. Review status: criteria provided, conflicting classifications (1 of 4 stars). 2 submissions from 2 submitters: Uncertain significance (1); Likely benign (1). Last evaluated 2025-03-18.

Allele frequency attached by ClinVar (database versions not stated): gnomAD exomes 0.00015; ESP Exome Variant Server 0.00016; gnomAD 0.00016; TOPMed 0.00018; ExAC 0.00022; 1000 Genomes Project 0.00040; 1000 Genomes Project 30x 0.00047.
gnomAD v4.1: 253 of 1,613,550 alleles (0.016%); highest among the groups gnomAD compares: Middle Eastern, 0.5%; 4 homozygotes.

Submissions (2):

Ambry Genetics
Classification: Uncertain significance. Last evaluated: 2025-03-18. Review status: criteria provided, single submitter. Criteria: Ambry Variant Classification Scheme 2023. Collection method: clinical testing. Allele origin: germline.

CeGaT Center for Human Genetics Tuebingen
Classification: Likely benign. Last evaluated: 2022-03-01. Review status: criteria provided, single submitter. Criteria: CeGaT Center For Human Genetics Tuebingen Variant Classification Criteria Version 2. Collection method: clinical testing. Allele origin: germline. Affected: yes. Observed: 1 variant allele.
Comment: TNS3: BP4

NM_022748.12(TNS3):c.3220G>A (p.Ala1074Thr)

Gene: TNS3 (tensin 3; minus strand). Cytogenetic location: 7p12.3.
Variant type: single nucleotide variant.
Coding change: c.3220G>A on transcript NM_022748.12 (MANE Select); coding-DNA position 3220, G replaced by A.
Protein change: p.Ala1074Thr; replaces alanine 1074 with threonine.
Molecular consequence: missense variant.
Genome position (GRCh38, 1-based): chr7:47,303,187, C>T on the plus strand (G>A on the coding strand, the complement: TNS3 is on the minus strand). VCF-style: chr7-47303187-C-T. GRCh37 (hg19) VCF-style: chr7-47342785-C-T.
Other names: c.3562G>A, p.Ala1188Thr (NM_001410877.1); c.3529G>A, p.Ala1177Thr (NM_001410878.1); short protein forms A1188T, A1074T, A1177T.
Identifiers: ClinVar variation 2511972 (VCV002511972.26), dbSNP rs202060822, ClinGen allele CA4250375.
Genomic context (GRCh38, chr7:47,303,187, plus strand): 5'-CGGGCAGGGTCACACCCTGGCCCTGCAGGCCTGGACTGTGGTGGCTGCTGTGTCCAGGCG[C>T]CACCGTGAGAAAGTTGTGGGACAGGAAGCCATTGTCGGCAGCCCCTGTCGCTGTCAGCGG-3'
Protein context (NP_073585.8, residues 1064-1084): GFLSHNFLTV[Ala1074Thr]PGHSSHHSPG